The following is an entry in ClinVar:

NM_002875.5(RAD51):c.290C>T (p.Ser97Leu)

Gene: RAD51 (RAD51 recombinase; plus strand). Cytogenetic location: 15q15.1.
Variant type: single nucleotide variant.
Coding change: c.290C>T on transcript NM_002875.5 (MANE Select); coding-DNA position 290, C replaced by T.
Protein change: p.Ser97Leu; replaces serine 97 with leucine.
Molecular consequence: missense variant. On other transcripts: intron variant (2).
Genome position (GRCh38, 1-based): chr15:40,706,241, C>T. VCF-style: chr15-40706241-C-T. GRCh37 (hg19) VCF-style: chr15-40998439-C-T.
Other names: c.290C>T, p.Ser97Leu (NM_001164270.2); c.347-2784C>T (NM_133487.4, NM_001164269.2); short protein forms S97L.
Identifiers: ClinVar variation 2624693 (VCV002624693.2), dbSNP rs2141830394, ClinGen allele CA391749758.

ClinVar aggregate classification (germline): Uncertain significance (1 of 4 stars; one submission).

Conditions:
Inborn genetic diseases. Identifiers: MedGen C0950123, MeSH D030342.

Submission:

Ambry Genetics
Classification: Uncertain significance for Inborn genetic diseases. Last evaluated: 2023-08-26. Review status: criteria provided, single submitter. Criteria: Ambry Variant Classification Scheme 2023. Collection method: clinical testing. Allele origin: germline.
Comment: The p.S97L variant (also known as c.290C>T), located in coding exon 3 of the RAD51 gene, results from a C to T substitution at nucleotide position 290. The serine at codon 97 is replaced by leucine, an amino acid with dissimilar properties. This amino acid position is conserved. In addition, this alteration is predicted to be tolerated by in silico analysis. Since supporting evidence is limited at this time, the clinical significance of this alteration remains unclear.